The following is an entry in ClinVar:

NM_005120.3(MED12):c.320C>T (p.Ala107Val)

Gene: MED12 (mediator complex subunit 12; plus strand). Cytogenetic location: Xq13.1.
Variant type: single nucleotide variant.
Coding change: c.320C>T on transcript NM_005120.3 (MANE Select); coding-DNA position 320, C replaced by T.
Protein change: p.Ala107Val; replaces alanine 107 with valine.
Molecular consequence: missense variant.
Genome position (GRCh38, 1-based): chrX:71,119,801, C>T. VCF-style: chrX-71119801-C-T. GRCh37 (hg19) VCF-style: chrX-70339651-C-T.
Other names: short protein forms A107V.
Identifiers: ClinVar variation 1021292 (VCV001021292.9), dbSNP rs2092284960, ClinGen allele CA413499359.
Genomic context (GRCh38, chrX:71,119,801, plus strand): 5'-CTGACACTGGTCGCAGGAAGCCCCAAGTGAACCAGAAGGATAACTTCTGGCTGGTGACTG[C>T]ACGATCCCAGAGTGCCATTAACACTTGGTTCACTGACTTGGCTGGCACCAAGCCACTCAC-3'
Protein context (NP_005111.2, residues 97-117): NQKDNFWLVT[Ala107Val]RSQSAINTWF

ClinVar aggregate classification (germline): Uncertain significance (1 of 4 stars; one submission).

Conditions:
FG syndrome (FGS). Identifiers: MedGen C0220769, MONDO:0002010.

Submission:

Labcorp Genetics (formerly Invitae), Labcorp
Classification: Uncertain significance for FG syndrome. Last evaluated: 2020-08-03. Review status: criteria provided, single submitter. Criteria: Invitae Variant Classification Sherloc (09022015). Collection method: clinical testing. Allele origin: germline.
Comment: This sequence change replaces alanine with valine at codon 107 of the MED12 protein (p.Ala107Val). The alanine residue is highly conserved and there is a small physicochemical difference between alanine and valine. This variant is not present in population databases (ExAC no frequency). In summary, the available evidence is currently insufficient to determine the role of this variant in disease. Therefore, it has been classified as a Variant of Uncertain Significance. Algorithms developed to predict the effect of sequence changes on RNA splicing suggest that this variant may create or strengthen a splice site, but this prediction has not been confirmed by published transcriptional studies. Advanced modeling of protein sequence and biophysical properties (such as structural, functional, and spatial information, amino acid conservation, physicochemical variation, residue mobility, and thermodynamic stability) performed at Invitae indicates that this missense variant is not expected to disrupt MED12 protein function. This variant has not been reported in the literature in individuals with MED12-related conditions.